The following is an entry in ClinVar:

NM_173560.4(RFX6):c.2262G>A (p.Pro754=)

Gene: RFX6 (regulatory factor X6; plus strand). Cytogenetic location: 6q22.1.
Variant type: single nucleotide variant.
Coding change: c.2262G>A on transcript NM_173560.4 (MANE Select); coding-DNA position 2262, G replaced by A.
Protein change: p.Pro754=; no amino-acid change (proline 754 retained).
Molecular consequence: synonymous variant.
Genome position (GRCh38, 1-based): chr6:116,927,403, G>A. VCF-style: chr6-116927403-G-A. GRCh37 (hg19) VCF-style: chr6-117248566-G-A.
Identifiers: ClinVar variation 3353663 (VCV003353663.1).
Genomic context (GRCh38, chr6:116,927,403, plus strand): 5'-GCTTTCAAGAGACTTCTTCAGTGGCAGCTGTGCGGGGTCTCCATATAACTCCCGGCCACC[G>A]TCTAGCTATGGCCCATCCCTGCAAGCCCAGGATTCACACAATATGCAGTTTTTAAATACA-3'
Protein context (NP_775831.2, residues 744-764): CAGSPYNSRP[Pro754=]SSYGPSLQAQ

ClinVar aggregate classification (germline): Likely benign (0 of 4 stars; one submission).

Conditions:
RFX6-related disorder. Also called: RFX6-related condition.

gnomAD v4.1: 22 of 1,613,968 alleles (0.0014%); highest among the groups gnomAD compares: African/African-American, 0.02%; no homozygotes.

Submission:

PreventionGenetics, part of Exact Sciences
Classification: Likely benign for RFX6-related condition. Last evaluated: 2024-03-13. Review status: no assertion criteria provided. Collection method: clinical testing. Allele origin: germline.
Comment: This variant is classified as likely benign based on ACMG/AMP sequence variant interpretation guidelines (Richards et al. 2015 PMID: 25741868, with internal and published modifications).